The following is an entry in ClinVar:

ClinVar aggregate classification (germline): Uncertain significance (1 of 4 stars; one submission).

Conditions:
Wilson disease (WND). Also called: Wilson's disease. Identifiers: Orphanet 905, MedGen C0019202, MONDO:0010200, OMIM 277900. Disease mechanism: loss of function.

Allele frequency attached by ClinVar (database versions not stated): gnomAD 0.00001.
gnomAD v4.1: 1 of 1,614,110 alleles (0.000062%); highest among the groups gnomAD compares: Admixed American, 0.0017%; no homozygotes.

Submission:

Labcorp Genetics (formerly Invitae), Labcorp
Classification: Uncertain significance for Wilson disease. Last evaluated: 2022-05-25. Review status: criteria provided, single submitter. Criteria: Invitae Variant Classification Sherloc (09022015). Collection method: clinical testing. Allele origin: germline.
Comment: This sequence change replaces valine, which is neutral and non-polar, with methionine, which is neutral and non-polar, at codon 900 of the ATP7B protein (p.Val900Met). This variant is not present in population databases (gnomAD no frequency). This variant has not been reported in the literature in individuals affected with ATP7B-related conditions. Advanced modeling of protein sequence and biophysical properties (such as structural, functional, and spatial information, amino acid conservation, physicochemical variation, residue mobility, and thermodynamic stability) performed at Invitae indicates that this missense variant is expected to disrupt ATP7B protein function. In summary, the available evidence is currently insufficient to determine the role of this variant in disease. Therefore, it has been classified as a Variant of Uncertain Significance.

NM_000053.4(ATP7B):c.2698G>A (p.Val900Met)

Gene: ATP7B (ATPase copper transporting beta; minus strand). Cytogenetic location: 13q14.3.
Variant type: single nucleotide variant.
Coding change: c.2698G>A on transcript NM_000053.4 (MANE Select); coding-DNA position 2698, G replaced by A.
Protein change: p.Val900Met; replaces valine 900 with methionine.
Molecular consequence: missense variant.
Genome position (GRCh38, 1-based): chr13:51,950,039, C>T on the plus strand (G>A on the coding strand, the complement: ATP7B is on the minus strand). VCF-style: chr13-51950039-C-T. GRCh37 (hg19) VCF-style: chr13-52524175-C-T.
Other names: c.2554G>A, p.Val852Met (NM_001406521.1, NM_001406522.1, NM_001406520.1 and 1 more transcripts); c.2698G>A, p.Val900Met (NM_001406523.1, NM_001406525.1, NM_001406526.1 and 7 more transcripts); c.2521G>A, p.Val841Met (NM_001406524.1); c.2464G>A, p.Val822Met (NM_001406527.1, NM_001406528.1, NM_001330578.2 and 2 more transcripts); c.2458G>A, p.Val820Met (NM_001406530.1); c.2446G>A, p.Val816Met (NM_001406531.1, NM_001330579.2, NM_001406532.1 and 1 more transcripts); c.2212G>A, p.Val738Met (NM_001406542.1, NM_001005918.3, NM_001406541.1 and 1 more transcripts); c.2350G>A, p.Val784Met (NM_001406543.1); and 8 more; short protein forms V470M, V757M, V816M, V820M, V852M, V684M, V789M, V790M.
Identifiers: ClinVar variation 2130036 (VCV002130036.1), dbSNP rs979630897, ClinGen allele CA388034234.